The following is an entry in ClinVar:

NM_002184.4(IL6ST):c.1841-10_1841-4del

Gene: IL6ST (interleukin 6 cytokine family signal transducer; minus strand). Cytogenetic location: 5q11.2.
Variant type: Deletion.
Coding change: c.1841-10_1841-4del on transcript NM_002184.4 (MANE Select); 10 bases into the intron before coding-DNA position 1841 through 4 bases into the intron before coding-DNA position 1841, 7 bases deleted (TTTTTTT; older notation c.1841-10_1841-4delTTTTTTT).
Molecular consequence: intron variant.
Genome position (GRCh38, 1-based): chr5:55,947,593-55,947,599, AAAAAAA deleted on the plus strand (TTTTTTT on the coding strand, the reverse complement: IL6ST is on the minus strand); deleting any 7 consecutive bases within chr5:55,947,593-55,947,617 gives the same sequence; the c. name uses the placement nearest the transcript's 3' end. VCF-style (leftmost placement, unchanged base first): chr5-55947592-TAAAAAAA-T. GRCh37 (hg19) VCF-style: chr5-55243420-TAAAAAAA-T.
Other names: p.?; c.1631-10_1631-4del (NM_001364276.2); c.845-10_845-4del (NM_001364279.2); c.938-10_938-4del (NM_001364278.2); c.974-10_974-4del (NM_001364277.2); c.*768-10_*768-4del (NM_175767.3); c.1658-10_1658-4del (NM_001190981.2); c.1739-10_1739-4del (NM_001364275.2).
Identifiers: ClinVar variation 3910458 (VCV003910458.3).

ClinVar aggregate classification (germline): Likely benign. Review status: criteria provided, multiple submitters, no conflicts (2 of 4 stars). 3 submissions from 3 submitters: Likely benign (3). Last evaluated 2025-02-16.

Submissions (3):

Laboratory of Genetics, Children's Clinical University Hospital Latvia
Classification: Likely benign. Last evaluated: 2025-02-16. Review status: criteria provided, single submitter. Criteria: ACMG Guidelines, 2015. Collection method: clinical testing. Allele origin: germline. Affected: yes.

Blueprint Genetics
Classification: Likely benign. Last evaluated: 2024-11-25. Review status: criteria provided, single submitter. Criteria: ACMG Guidelines, 2015. Collection method: clinical testing. Allele origin: germline.

Mayo Clinic Laboratories, Mayo Clinic
Classification: Likely benign. Last evaluated: 2024-11-05. Review status: criteria provided, single submitter. Criteria: ACMG Guidelines, 2015. Collection method: clinical testing. Allele origin: germline. Observed: 3 variant alleles.
Comment: BP4, BP7